The following is an entry in ClinVar:

ClinVar aggregate classification (germline): Pathogenic (1 of 4 stars; one submission).

Submission:

Labcorp Genetics (formerly Invitae), Labcorp
Classification: Pathogenic. Last evaluated: 2024-01-24. Review status: criteria provided, single submitter. Criteria: Invitae Variant Classification Sherloc (09022015). Collection method: clinical testing. Allele origin: germline.
Comment: This sequence change creates a premature translational stop signal (p.Glu743Argfs*60) in the PTPN23 gene. It is expected to result in an absent or disrupted protein product. Loss-of-function variants in PTPN23 are known to be pathogenic (PMID: 29090338, 29899372). This variant is not present in population databases (gnomAD no frequency). This variant has not been reported in the literature in individuals affected with PTPN23-related conditions. ClinVar contains an entry for this variant (Variation ID: 1481074). For these reasons, this variant has been classified as Pathogenic.

Literature cited by the submitters: PubMed 29090338; PubMed 29899372.

NM_015466.4(PTPN23):c.2226del (p.Glu743fs)

Gene: PTPN23 (protein tyrosine phosphatase non-receptor type 23; plus strand). Cytogenetic location: 3p21.31.
Variant type: Deletion.
Coding change: c.2226del on transcript NM_015466.4 (MANE Select); coding-DNA position 2226, one base deleted (T; older notation c.2226delT).
Protein change: p.Glu743fs; shifts the reading frame from glutamic acid 743.
Molecular consequence: frameshift variant.
Genome position (GRCh38, 1-based): chr3:47,410,024, T deleted. VCF-style (leftmost placement, unchanged base first): chr3-47410023-CT-C. GRCh37 (hg19) VCF-style: chr3-47451513-CT-C.
Other names: c.1848del, p.Glu617fs (NM_001304482.2); short protein forms E743fs, E617fs.
Identifiers: ClinVar variation 1481074 (VCV001481074.6), dbSNP rs1705228635, ClinGen allele CA1362546280.
Genomic context (GRCh38, chr3:47,410,023, plus strand): 5'-CCCCAAAGCCGCTGCTGCCCCGCAGGGAGGAGAGTGAGGCAGTGGAAGCAGGAGACCCCC[CT>C]GAGGAGCTGCGCAGCCTCCCCCCTGACATGGTGGCTGGCCCACGACTGCCTGACACCTTC-3'